The following is an entry in ClinVar:

ClinVar aggregate classification (germline): Benign/Likely benign. Review status: criteria provided, multiple submitters, no conflicts (2 of 4 stars). 6 submissions from 6 submitters: Benign (3); Likely benign (2). 1 of the submissions does not count toward it. Last evaluated 2026-01-27.

Conditions:
Congenital myasthenic syndrome 8. Also called: Myasthenic syndrome, congenital, 8, with pre- and postsynaptic defects; MYASTHENIC SYNDROME, CONGENITAL, DUE TO AGRIN DEFICIENCY. Identifiers: Orphanet 590, MedGen C3808739, MONDO:0014052, OMIM 615120.

Allele frequency attached by ClinVar (database versions not stated): gnomAD exomes 0.00280; ExAC 0.00345; gnomAD 0.01053 and 0.01118; ESP Exome Variant Server 0.01076; 1000 Genomes Project 0.01098; 1000 Genomes Project 30x 0.01124; TOPMed 0.01155.
gnomAD v4.1: 3,231 of 1,613,270 alleles (0.2%); highest among the groups gnomAD compares: African/African-American, 3.7%; 59 homozygotes.

Submissions (6):

Labcorp Genetics (formerly Invitae), Labcorp
Classification: Benign for Congenital myasthenic syndrome 8. Last evaluated: 2026-01-27. Review status: criteria provided, single submitter. Criteria: Invitae Variant Classification Sherloc (09022015). Collection method: clinical testing. Allele origin: germline.

Mayo Clinic Laboratories, Mayo Clinic
Classification: Benign. Last evaluated: 2023-09-27. Review status: criteria provided, single submitter. Criteria: ACMG Guidelines, 2015. Collection method: clinical testing. Allele origin: germline. Observed: 4 variant alleles.
Comment: BS1, BS2, BP4, BP7

GeneDx
Classification: Likely benign. Last evaluated: 2020-12-14. Review status: criteria provided, single submitter. Criteria: GeneDx Variant Classification Process June 2021. Collection method: clinical testing. Allele origin: germline. Affected: yes.

Breakthrough Genomics
Classification: Likely benign. Review status: criteria provided, single submitter. Criteria: ACMG Guidelines, 2015. Collection method: not provided. Allele origin: germline. Inheritance: Autosomal recessive inheritance. Affected: yes.

PreventionGenetics, part of Exact Sciences
Classification: Benign. Review status: criteria provided, single submitter. Criteria: ACMG Guidelines, 2015. Collection method: clinical testing. Allele origin: germline.

Genetic Services Laboratory, University of Chicago
Classification: Likely benign for AllHighlyPenetrant. Review status: no assertion criteria provided. Collection method: clinical testing. Allele origin: germline. Inheritance: Autosomal recessive inheritance. Not counted in ClinVar's aggregate classification.
Comment: Likely benign based on allele frequency in 1000 Genomes Project or ESP global frequency and its presence in a patient with a rare or unrelated disease phenotype. NOT Sanger confirmed.

NM_198576.4(AGRN):c.2025C>G (p.Gly675=)

Gene: AGRN (agrin; plus strand). Cytogenetic location: 1p36.33.
Variant type: single nucleotide variant.
Coding change: c.2025C>G on transcript NM_198576.4 (MANE Select); coding-DNA position 2025, C replaced by G.
Protein change: p.Gly675=; no amino-acid change (glycine 675 retained).
Molecular consequence: synonymous variant.
Genome position (GRCh38, 1-based): chr1:1,044,134, C>G. VCF-style: chr1-1044134-C-G. GRCh37 (hg19) VCF-style: chr1-979514-C-G.
Other names: p.Gly675=; c.2025C>G (LRG_198t1); c.2025C>G, p.Gly675= (NM_001305275.2); c.1710C>G, p.Gly570= (NM_001364727.2).
Identifiers: ClinVar variation 128293 (VCV000128293.21), dbSNP rs28484890, ClinGen allele CA151614.